The following is an entry in ClinVar:

ClinVar aggregate classification (germline): Uncertain significance. Review status: criteria provided, multiple submitters, no conflicts (2 of 4 stars). 2 submissions from 2 submitters: Uncertain significance (2). Last evaluated 2025-11-19.

Conditions:
SLC38A8-related disorder. Also called: SLC38A8-related condition.
Inborn genetic diseases. Identifiers: MedGen C0950123, MeSH D030342.

gnomAD v4.1: 2 of 1,614,224 alleles (0.00012%); highest among the groups gnomAD compares: Non-Finnish European, 0.00017%; no homozygotes.

Submissions (2):

Ambry Genetics
Classification: Uncertain significance for Inborn genetic diseases. Last evaluated: 2025-11-19. Review status: criteria provided, single submitter. Criteria: Ambry Variant Classification Scheme 2023. Collection method: clinical testing. Allele origin: germline.

PreventionGenetics, part of Exact Sciences
Classification: Uncertain significance for SLC38A8-related condition. Last evaluated: 2025-02-28. Review status: criteria provided, single submitter. Criteria: ACMG Guidelines, 2015. Collection method: clinical testing. Allele origin: germline.
Comment: The SLC38A8 c.324C>G variant is predicted to result in the amino acid substitution p.Phe108Leu. To our knowledge, this variant has not been reported in the literature or in a large population database (gnomAD), indicating this variant is rare. At this time, the clinical significance of this variant is uncertain due to the absence of conclusive functional and genetic evidence.

NM_001080442.3(SLC38A8):c.324C>G (p.Phe108Leu)

Gene: SLC38A8 (solute carrier family 38 member 8; minus strand). Cytogenetic location: 16q23.3.
Variant type: single nucleotide variant.
Coding change: c.324C>G on transcript NM_001080442.3 (MANE Select); coding-DNA position 324, C replaced by G.
Protein change: p.Phe108Leu; replaces phenylalanine 108 with leucine.
Molecular consequence: missense variant.
Genome position (GRCh38, 1-based): chr16:84,036,766, G>C on the plus strand (C>G on the coding strand, the complement: SLC38A8 is on the minus strand). VCF-style: chr16-84036766-G-C. GRCh37 (hg19) VCF-style: chr16-84070371-G-C.
Other names: c.324C>G (NM_001080442.2); short protein forms F108L.
Identifiers: ClinVar variation 4631322 (VCV004631322.2).